The following is an entry in ClinVar:

ClinVar aggregate classification (germline): Uncertain significance (1 of 4 stars; one submission).

Allele frequency attached by ClinVar (database versions not stated): TOPMed below 0.00001.

Submission:

Labcorp Genetics (formerly Invitae), Labcorp
Classification: Uncertain significance. Last evaluated: 2022-07-29. Review status: criteria provided, single submitter. Criteria: Invitae Variant Classification Sherloc (09022015). Collection method: clinical testing. Allele origin: germline.
Comment: This sequence change replaces arginine, which is basic and polar, with histidine, which is basic and polar, at codon 331 of the USH1G protein (p.Arg331His). This variant is not present in population databases (gnomAD no frequency). This variant has not been reported in the literature in individuals affected with USH1G-related conditions. ClinVar contains an entry for this variant (Variation ID: 1434465). Algorithms developed to predict the effect of missense changes on protein structure and function output the following: SIFT: "Not Available"; PolyPhen-2: "Benign"; Align-GVGD: "Not Available". The histidine amino acid residue is found in multiple mammalian species, which suggests that this missense change does not adversely affect protein function. In summary, the available evidence is currently insufficient to determine the role of this variant in disease. Therefore, it has been classified as a Variant of Uncertain Significance.

NM_173477.5(USH1G):c.992G>A (p.Arg331His)

Gene: USH1G (USH1 protein network component sans; minus strand). Cytogenetic location: 17q25.1.
Variant type: single nucleotide variant.
Coding change: c.992G>A on transcript NM_173477.5 (MANE Select); coding-DNA position 992, G replaced by A.
Protein change: p.Arg331His; replaces arginine 331 with histidine.
Molecular consequence: missense variant.
Genome position (GRCh38, 1-based): chr17:74,919,844, C>T on the plus strand (G>A on the coding strand, the complement: USH1G is on the minus strand). VCF-style: chr17-74919844-C-T. GRCh37 (hg19) VCF-style: chr17-72915939-C-T.
Other names: c.683G>A, p.Arg228His (NM_001282489.3); short protein forms R228H, R331H.
Identifiers: ClinVar variation 1434465 (VCV001434465.3), dbSNP rs879066143, ClinGen allele CA293983855.